The following is an entry in ClinVar:

NM_022124.6(CDH23):c.9175C>A (p.Pro3059Thr)

Gene: CDH23 (cadherin related 23; plus strand). Cytogenetic location: 10q22.1.
Variant type: single nucleotide variant.
Coding change: c.9175C>A on transcript NM_022124.6 (MANE Select); coding-DNA position 9175, C replaced by A.
Protein change: p.Pro3059Thr; replaces proline 3059 with threonine.
Molecular consequence: missense variant.
Genome position (GRCh38, 1-based): chr10:71,811,412, C>A. VCF-style: chr10-71811412-C-A. GRCh37 (hg19) VCF-style: chr10-73571169-C-A.
Other names: c.2455C>A, p.Pro819Thr (NM_001171933.1, NM_001171934.1); short protein forms P3059T, P819T.
Identifiers: ClinVar variation 1491479 (VCV001491479.9), dbSNP rs780514498, ClinGen allele CA5546902.

ClinVar aggregate classification (germline): Conflicting classifications of pathogenicity. Review status: criteria provided, conflicting classifications (1 of 4 stars). 3 submissions from 3 submitters: Likely pathogenic (1); Uncertain significance (2). Last evaluated 2025-01-06.

Conditions:
CDH23-related disorder. Also called: CDH23-related disorders; CDH23-related condition.
Pituitary adenoma 5, multiple types. Identifiers: MedGen C4539685, MONDO:0054601, OMIM 617540.
Usher syndrome type 1D (USH1D). Also called: USHER SYNDROME, TYPE ID. Identifiers: Orphanet 231169, Orphanet 886, MedGen C1832845, MONDO:0010984, OMIM 601067.
Autosomal recessive nonsyndromic hearing loss 12. Also called: DEAFNESS, AUTOSOMAL RECESSIVE 12. Identifiers: Orphanet 90636, MedGen C1832394, MONDO:0011067, OMIM 601386.

Allele frequency attached by ClinVar (database versions not stated): ExAC 0.00003; gnomAD exomes 0.00003.
gnomAD v4.1: 23 of 1,613,978 alleles (0.0014%); highest among the groups gnomAD compares: South Asian, 0.025%; no homozygotes.

Submissions (3):

Labcorp Genetics (formerly Invitae), Labcorp
Classification: Uncertain significance. Last evaluated: 2025-01-06. Review status: criteria provided, single submitter. Criteria: Invitae Variant Classification Sherloc (09022015). Collection method: clinical testing. Allele origin: germline.
Comment: This sequence change replaces proline, which is neutral and non-polar, with threonine, which is neutral and polar, at codon 3059 of the CDH23 protein (p.Pro3059Thr). This variant is present in population databases (rs780514498, gnomAD 0.02%). This missense change has been observed in individual(s) with autosomal recessive deafness (PMID: 11090341). It has also been observed to segregate with disease in related individuals. This variant is also known as P2257T. ClinVar contains an entry for this variant (Variation ID: 1491479). Invitae Evidence Modeling of protein sequence and biophysical properties (such as structural, functional, and spatial information, amino acid conservation, physicochemical variation, residue mobility, and thermodynamic stability) has been performed for this missense variant. However, the output from this modeling did not meet the statistical confidence thresholds required to predict the impact of this variant on CDH23 protein function. In summary, the available evidence is currently insufficient to determine the role of this variant in disease. Therefore, it has been classified as a Variant of Uncertain Significance.

Blueprint Genetics
Classification: Likely pathogenic for CDH23-related disorders. Last evaluated: 2022-08-03. Review status: criteria provided, single submitter. Criteria: ACMG Guidelines, 2015. Collection method: clinical testing. Allele origin: germline. Affected: yes. Observed: 5 variant alleles.

Fulgent Genetics
Classification: Uncertain significance for Usher syndrome type 1D; Autosomal recessive nonsyndromic hearing loss 12; Pituitary adenoma 5, multiple types. Last evaluated: 2021-07-26. Review status: criteria provided, single submitter. Criteria: ACMG Guidelines, 2015. Collection method: clinical testing. Allele origin: unknown.

Literature cited by the submitters: PubMed 11090341 (cited by Labcorp Genetics (formerly Invitae), Labcorp).